The following is an entry in ClinVar:

ClinVar aggregate classification (germline): Likely benign. Review status: criteria provided, multiple submitters, no conflicts (2 of 4 stars). 2 submissions from 2 submitters: Likely benign (2). Last evaluated 2025-01-15.

Conditions:
COL9A2-related disorder. Also called: COL9A2-related condition.

Allele frequency attached by ClinVar (database versions not stated): TOPMed below 0.00001; gnomAD 0.00001; gnomAD exomes 0.00003.
gnomAD v4.1: 6 of 1,551,924 alleles (0.00039%); highest among the groups gnomAD compares: Admixed American, 0.012%; no homozygotes.

Submissions (2):

PreventionGenetics, part of Exact Sciences
Classification: Likely benign for COL9A2-related condition. Last evaluated: 2025-01-15. Review status: criteria provided, single submitter. Criteria: ACMG Guidelines, 2015. Collection method: clinical testing. Allele origin: germline.
Comment: This variant is classified as likely benign based on ACMG/AMP sequence variant interpretation guidelines (Richards et al. 2015 PMID: 25741868, with internal and published modifications).

Labcorp Genetics (formerly Invitae), Labcorp
Classification: Likely benign. Last evaluated: 2022-11-08. Review status: criteria provided, single submitter. Criteria: Invitae Variant Classification Sherloc (09022015). Collection method: clinical testing. Allele origin: germline.

NM_001852.4(COL9A2):c.150+7C>G

Genes: COL9A2 (collagen type IX alpha 2 chain; minus strand), LOC129930260 (ATAC-STARR-seq lymphoblastoid silent region 723; plus strand). Cytogenetic location: 1p34.2.
Variant type: single nucleotide variant.
Coding change: c.150+7C>G on transcript NM_001852.4 (MANE Select); 7 bases into the intron after coding-DNA position 150, C replaced by G.
Molecular consequence: intron variant.
Genome position (GRCh38, 1-based): chr1:40,315,583, G>C on the plus strand (C>G on the coding strand, the complement: COL9A2 is on the minus strand). VCF-style: chr1-40315583-G-C. GRCh37 (hg19) VCF-style: chr1-40781255-G-C.
Other names: c.150+7C>G (NM_001852.3).
Identifiers: ClinVar variation 1584659 (VCV001584659.9), dbSNP rs934189894, ClinGen allele CA21042436.